The following is an entry in ClinVar:

NM_152296.5(ATP1A3):c.2364C>G (p.Ile788Met)

Gene: ATP1A3 (ATPase Na+/K+ transporting subunit alpha 3; minus strand). Cytogenetic location: 19q13.2.
Variant type: single nucleotide variant.
Coding change: c.2364C>G on transcript NM_152296.5 (MANE Select); coding-DNA position 2364, C replaced by G.
Protein change: p.Ile788Met; replaces isoleucine 788 with methionine.
Molecular consequence: missense variant.
Genome position (GRCh38, 1-based): chr19:41,970,442, G>C on the plus strand (C>G on the coding strand, the complement: ATP1A3 is on the minus strand). VCF-style: chr19-41970442-G-C. GRCh37 (hg19) VCF-style: chr19-42474594-G-C.
Other names: c.2397C>G, p.Ile799Met (NM_001256213.2); c.2403C>G, p.Ile801Met (NM_001256214.2); short protein forms I788M, I799M, I801M.
Identifiers: ClinVar variation 4802147 (VCV004802147.1).

ClinVar aggregate classification (germline): Uncertain significance (1 of 4 stars; one submission).

Conditions:
Dystonia 12 (DYT12). Also called: DYT-ATP1A3; Rapid-Onset Dystonia-Parkinsonism (RDP). Identifiers: Orphanet 71517, MedGen C1868681, MONDO:0007496, OMIM 128235.

gnomAD v4.1: 1 of 1,614,084 alleles (0.000062%); highest among the groups gnomAD compares: Admixed American, 0.0017%; no homozygotes.

Submission:

Labcorp Genetics (formerly Invitae), Labcorp
Classification: Uncertain significance for Dystonia 12. Last evaluated: 2025-12-21. Review status: criteria provided, single submitter. Criteria: Invitae Variant Classification Sherloc (09022015). Collection method: clinical testing. Allele origin: germline.
Comment: This sequence change replaces isoleucine, which is neutral and non-polar, with methionine, which is neutral and non-polar, at codon 788 of the ATP1A3 protein (p.Ile788Met). This variant is present in population databases (no rsID available, gnomAD 0.003%). This variant has not been reported in the literature in individuals affected with ATP1A3-related conditions. Invitae Evidence Modeling of protein sequence and biophysical properties (such as structural, functional, and spatial information, amino acid conservation, physicochemical variation, residue mobility, and thermodynamic stability) indicates that this missense variant is expected to disrupt ATP1A3 protein function with a positive predictive value of 80%. In summary, the available evidence is currently insufficient to determine the role of this variant in disease. Therefore, it has been classified as a Variant of Uncertain Significance.